The following is an entry in ClinVar:

NM_015213.4(DENND5A):c.2339G>A (p.Gly780Glu)

Gene: DENND5A (DENN domain containing 5A; minus strand). Cytogenetic location: 11p15.4.
Variant type: single nucleotide variant.
Coding change: c.2339G>A on transcript NM_015213.4 (MANE Select); coding-DNA position 2339, G replaced by A.
Protein change: p.Gly780Glu; replaces glycine 780 with glutamic acid.
Molecular consequence: missense variant. On other transcripts: non-coding transcript variant (1).
Genome position (GRCh38, 1-based): chr11:9,160,810, C>T on the plus strand (G>A on the coding strand, the complement: DENND5A is on the minus strand). VCF-style: chr11-9160810-C-T. GRCh37 (hg19) VCF-style: chr11-9182357-C-T.
Other names: c.2339G>A, p.Gly780Glu (NM_001243254.2, NM_001348748.1); c.2267G>A, p.Gly756Glu (NM_001348749.2); c.2051G>A, p.Gly684Glu (NM_001348750.2); short protein forms G756E, G780E, G684E.
Identifiers: ClinVar variation 1929836 (VCV001929836.6), dbSNP rs753307360, ClinGen allele CA5877363.
Genomic context (GRCh38, chr11:9,160,810, plus strand): 5'-AGGAGATCACAAAGGCTGGCAATCAGGGTGTTCTCTTCCACCCCTGTGATGTTCACCTCC[C>T]CATGCCCTAGCTCCACAGCTTCTCGGCCCATCTTTTCCACCAGCATCCTCTTGGTCTACA-3'
Protein context (NP_056028.2, residues 770-790): MGREAVELGH[Gly780Glu]EVNITGVEEN

ClinVar aggregate classification (germline): Uncertain significance. Review status: criteria provided, multiple submitters, no conflicts (2 of 4 stars). 2 submissions from 2 submitters: Uncertain significance (2). Last evaluated 2022-07-19.

Conditions:
Inborn genetic diseases. Identifiers: MedGen C0950123, MeSH D030342.

Allele frequency attached by ClinVar (database versions not stated): ExAC 0.00001; gnomAD exomes 0.00001; gnomAD 0.00002.
gnomAD v4.1: 22 of 1,614,060 alleles (0.0014%); highest among the groups gnomAD compares: Non-Finnish European, 0.0019%; no homozygotes.

Submissions (2):

Labcorp Genetics (formerly Invitae), Labcorp
Classification: Uncertain significance. Last evaluated: 2022-07-19. Review status: criteria provided, single submitter. Criteria: Invitae Variant Classification Sherloc (09022015). Collection method: clinical testing. Allele origin: germline.
Comment: This sequence change replaces glycine, which is neutral and non-polar, with glutamic acid, which is acidic and polar, at codon 780 of the DENND5A protein (p.Gly780Glu). This variant is present in population databases (rs753307360, gnomAD 0.006%). This variant has not been reported in the literature in individuals affected with DENND5A-related conditions. Algorithms developed to predict the effect of missense changes on protein structure and function are either unavailable or do not agree on the potential impact of this missense change (SIFT: "Tolerated"; PolyPhen-2: "Probably Damaging"; Align-GVGD: "Class C0"). In summary, the available evidence is currently insufficient to determine the role of this variant in disease. Therefore, it has been classified as a Variant of Uncertain Significance.

Ambry Genetics
Classification: Uncertain significance for Inborn genetic diseases. Last evaluated: 2021-12-17. Review status: criteria provided, single submitter. Criteria: Ambry Variant Classification Scheme 2023. Collection method: clinical testing. Allele origin: germline.